The following is an entry in ClinVar:

ClinVar aggregate classification (germline): Uncertain significance. Review status: criteria provided, multiple submitters, no conflicts (2 of 4 stars). 3 submissions from 3 submitters: Uncertain significance (3). Last evaluated 2025-12-03.

Conditions:
Hereditary cancer-predisposing syndrome. Also called: Tumor predisposition; Hereditary neoplastic syndrome; Hereditary Cancer Syndrome; Neoplastic Syndromes, Hereditary. Identifiers: Orphanet 140162, MedGen C0027672, MeSH D009386, MONDO:0015356.
Hereditary breast ovarian cancer syndrome. Also called: Hereditary breast and ovarian cancer syndrome; Hereditary breast and ovarian cancer; Hereditary breast and ovarian cancer syndrome (HBOC); BRCA1- and BRCA2-Associated Hereditary Breast and Ovarian Cancer; Hereditary breast and/or ovarian cancer syndrome; Breast and ovarian cancer. Identifiers: Orphanet 145, MedGen C0677776, MeSH D061325, MONDO:0003582. Disease mechanism: loss of function.
Familial cancer of breast. Also called: BREAST CANCER, FAMILIAL; Hereditary breast cancer; hereditary breast carcinoma. Identifiers: Orphanet 227535, MedGen C0346153, MONDO:0016419, OMIM 114480. Disease mechanism: loss of function.

Submissions (3):

Labcorp Genetics (formerly Invitae), Labcorp
Classification: Uncertain significance for Familial cancer of breast. Last evaluated: 2025-12-03. Review status: criteria provided, single submitter. Criteria: Invitae Variant Classification Sherloc (09022015). Collection method: clinical testing. Allele origin: germline.
Comment: This sequence change replaces glutamine, which is neutral and polar, with lysine, which is basic and polar, at codon 730 of the BARD1 protein (p.Gln730Lys). This variant is not present in population databases (gnomAD no frequency). This variant has not been reported in the literature in individuals affected with BARD1-related conditions. ClinVar contains an entry for this variant (Variation ID: 1053160). An algorithm developed to predict the effect of missense changes on protein structure and function (PolyPhen-2) suggests that this variant is likely to be disruptive. In summary, the available evidence is currently insufficient to determine the role of this variant in disease. Therefore, it has been classified as a Variant of Uncertain Significance.

Ambry Genetics
Classification: Uncertain significance for Hereditary cancer-predisposing syndrome. Last evaluated: 2023-05-13. Review status: criteria provided, single submitter. Criteria: Ambry Variant Classification Scheme 2023. Collection method: clinical testing. Allele origin: germline.
Comment: The p.Q730K variant (also known as c.2188C>A), located in coding exon 11 of the BARD1 gene, results from a C to A substitution at nucleotide position 2188. The glutamine at codon 730 is replaced by lysine, an amino acid with similar properties. This amino acid position is highly conserved in available vertebrate species. In addition, this alteration is predicted to be deleterious by in silico analysis. Since supporting evidence is limited at this time, the clinical significance of this alteration remains unclear.

Department of Pathology and Laboratory Medicine, Sinai Health System
Classification: Uncertain significance for Hereditary breast ovarian cancer syndrome. Last evaluated: 2022-10-11. Review status: criteria provided, single submitter. Criteria: ACMG Guidelines, 2015. Collection method: clinical testing. Allele origin: germline. Affected: yes.

NM_000465.4(BARD1):c.2188C>A (p.Gln730Lys)

Gene: BARD1 (BRCA1 associated RING domain 1; minus strand). Cytogenetic location: 2q35.
Variant type: single nucleotide variant.
Coding change: c.2188C>A on transcript NM_000465.4 (MANE Select); coding-DNA position 2188, C replaced by A.
Protein change: p.Gln730Lys; replaces glutamine 730 with lysine.
Molecular consequence: missense variant. On other transcripts: non-coding transcript variant (3).
Genome position (GRCh38, 1-based): chr2:214,728,822, G>T on the plus strand (C>A on the coding strand, the complement: BARD1 is on the minus strand). VCF-style: chr2-214728822-G-T. GRCh37 (hg19) VCF-style: chr2-215593546-G-T.
Other names: c.2131C>A, p.Gln711Lys (NM_001282543.2); c.835C>A, p.Gln279Lys (NM_001282545.2); c.778C>A, p.Gln260Lys (NM_001282548.2); c.649C>A, p.Gln217Lys (NM_001282549.2); short protein forms Q217K, Q260K, Q279K, Q711K, Q730K.
Identifiers: ClinVar variation 1053160 (VCV001053160.14), dbSNP rs1559372004, ClinGen allele CA350450316.